The following is an entry in ClinVar:

NM_030777.4(SLC2A10):c.694A>G (p.Thr232Ala)

Gene: SLC2A10 (solute carrier family 2 member 10; plus strand). Cytogenetic location: 20q13.12.
Variant type: single nucleotide variant.
Coding change: c.694A>G on transcript NM_030777.4 (MANE Select); coding-DNA position 694, A replaced by G.
Protein change: p.Thr232Ala; replaces threonine 232 with alanine.
Molecular consequence: missense variant.
Genome position (GRCh38, 1-based): chr20:46,725,730, A>G. VCF-style: chr20-46725730-A-G. GRCh37 (hg19) VCF-style: chr20-45354369-A-G.
Other names: short protein forms T232A.
Identifiers: ClinVar variation 4635553 (VCV004635553.1).
Genomic context (GRCh38, chr20:46,725,730, plus strand): 5'-GGGAGGCCACGGTACTCCTTTCTGGACCTCTTCAGGGCACGCGATAACATGCGAGGCCGG[A>G]CCACAGTGGGCCTGGGGCTGGTGCTCTTCCAGCAACTAACAGGGCAGCCCAACGTGCTGT-3'
Protein context (NP_110404.1, residues 222-242): FRARDNMRGR[Thr232Ala]TVGLGLVLFQ

ClinVar aggregate classification (germline): Uncertain significance (1 of 4 stars; one submission).

Conditions:
Familial thoracic aortic aneurysm and aortic dissection (TAAD). Also called: Thoracic aortic aneurysms and dissections. Identifiers: Orphanet 91387, MedGen C4707243, MONDO:0019625.

Submission:

Ambry Genetics
Classification: Uncertain significance for Familial thoracic aortic aneurysm and aortic dissection. Last evaluated: 2025-10-27. Review status: criteria provided, single submitter. Criteria: Ambry Variant Classification Scheme 2023. Collection method: clinical testing. Allele origin: germline.
Comment: The p.T232A variant (also known as c.694A>G), located in coding exon 2 of the SLC2A10 gene, results from an A to G substitution at nucleotide position 694. The threonine at codon 232 is replaced by alanine, an amino acid with similar properties. This amino acid position is conserved. In addition, the in silico prediction for this alteration is inconclusive. Based on the available evidence, the clinical significance of this variant remains unclear.